The following is an entry in ClinVar:

ClinVar aggregate classification (germline): Likely benign. Review status: criteria provided, single submitter (1 of 4 stars). 2 submissions from 2 submitters: Likely benign (1). 1 of the submissions does not count toward it. Last evaluated 2025-03-30.

Conditions:
ARHGAP31-related disorder. Also called: ARHGAP31-related condition.

Allele frequency attached by ClinVar (database versions not stated): ExAC 0.00005; gnomAD 0.00007; TOPMed 0.00007; ESP Exome Variant Server 0.00008; 1000 Genomes Project 0.00020; 1000 Genomes Project 30x 0.00031.
gnomAD v4.1: 52 of 1,614,194 alleles (0.0032%); highest among the groups gnomAD compares: Non-Finnish European, 0.0037%; no homozygotes.

Submissions (2):

Labcorp Genetics (formerly Invitae), Labcorp
Classification: Likely benign. Last evaluated: 2025-03-30. Review status: criteria provided, single submitter. Criteria: Invitae Variant Classification Sherloc (09022015). Collection method: clinical testing. Allele origin: germline.

PreventionGenetics, part of Exact Sciences
Classification: Likely benign for ARHGAP31-related condition. Last evaluated: 2024-02-02. Review status: no assertion criteria provided. Collection method: clinical testing. Allele origin: germline. Not counted in ClinVar's aggregate classification.
Comment: This variant is classified as likely benign based on ACMG/AMP sequence variant interpretation guidelines (Richards et al. 2015 PMID: 25741868, with internal and published modifications).

NM_020754.4(ARHGAP31):c.2880G>A (p.Thr960=)

Gene: ARHGAP31 (Rho GTPase activating protein 31; plus strand). Cytogenetic location: 3q13.33.
Variant type: single nucleotide variant.
Coding change: c.2880G>A on transcript NM_020754.4 (MANE Select); coding-DNA position 2880, G replaced by A.
Protein change: p.Thr960=; no amino-acid change (threonine 960 retained).
Molecular consequence: synonymous variant.
Genome position (GRCh38, 1-based): chr3:119,414,809, G>A. VCF-style: chr3-119414809-G-A. GRCh37 (hg19) VCF-style: chr3-119133656-G-A.
Identifiers: ClinVar variation 3030108 (VCV003030108.3), dbSNP rs200584337, ClinGen allele CA2554117.